The following is an entry in ClinVar:

NM_152393.4(KLHL40):c.1673C>A (p.Thr558Asn)

Gene: KLHL40 (kelch like family member 40; plus strand). Cytogenetic location: 3p22.1.
Variant type: single nucleotide variant.
Coding change: c.1673C>A on transcript NM_152393.4 (MANE Select); coding-DNA position 1673, C replaced by A.
Protein change: p.Thr558Asn; replaces threonine 558 with asparagine.
Molecular consequence: missense variant.
Genome position (GRCh38, 1-based): chr3:42,690,924, C>A. VCF-style: chr3-42690924-C-A. GRCh37 (hg19) VCF-style: chr3-42732416-C-A.
Other names: short protein forms T558N.
Identifiers: ClinVar variation 1509968 (VCV001509968.7), dbSNP rs775375049, ClinGen allele CA2337049.
Genomic context (GRCh38, chr3:42,690,924, plus strand): 5'-CACCCTTCGAGGCCTTCCCACAGGAGCGTAGCTCACTCAGCCTGGTCAGCCTGGTGGGTA[C>A]CCTCTATGCCATTGGTGGCTTTGCCACACTGGAGACGGAGTCTGGAGAGCTGGTTCCCAC-3'
Protein context (NP_689606.2, residues 548-568): SSLSLVSLVG[Thr558Asn]LYAIGGFATL

ClinVar aggregate classification (germline): Uncertain significance (1 of 4 stars; one submission).

Conditions:
Nemaline myopathy 8 (NEM8). Also called: Nemaline myopathy 8, autosomal recessive. Identifiers: Orphanet 171430, MedGen C3809209, MONDO:0014138, OMIM 615348.

Allele frequency attached by ClinVar (database versions not stated): gnomAD 0.00001; gnomAD exomes 0.00001; TOPMed 0.00001; ExAC 0.00002.
gnomAD v4.1: 9 of 1,613,650 alleles (0.00056%); highest among the groups gnomAD compares: Non-Finnish European, 0.00076%; no homozygotes.

Submission:

Labcorp Genetics (formerly Invitae), Labcorp
Classification: Uncertain significance for Nemaline myopathy 8. Last evaluated: 2022-06-29. Review status: criteria provided, single submitter. Criteria: Invitae Variant Classification Sherloc (09022015). Collection method: clinical testing. Allele origin: germline.
Comment: In summary, the available evidence is currently insufficient to determine the role of this variant in disease. Therefore, it has been classified as a Variant of Uncertain Significance. Algorithms developed to predict the effect of sequence changes on RNA splicing suggest that this variant may create or strengthen a splice site. Algorithms developed to predict the effect of missense changes on protein structure and function (SIFT, PolyPhen-2, Align-GVGD) all suggest that this variant is likely to be tolerated. This variant has not been reported in the literature in individuals affected with KLHL40-related conditions. This variant is present in population databases (rs775375049, gnomAD 0.003%). This sequence change replaces threonine, which is neutral and polar, with asparagine, which is neutral and polar, at codon 558 of the KLHL40 protein (p.Thr558Asn).